The following is an entry in ClinVar:

NM_000553.6(WRN):c.3822G>T (p.Lys1274Asn)

Gene: WRN (WRN RecQ like helicase; plus strand). Cytogenetic location: 8p12.
Variant type: single nucleotide variant.
Coding change: c.3822G>T on transcript NM_000553.6 (MANE Select); coding-DNA position 3822, G replaced by T.
Protein change: p.Lys1274Asn; replaces lysine 1274 with asparagine.
Molecular consequence: missense variant.
Genome position (GRCh38, 1-based): chr8:31,157,370, G>T. VCF-style: chr8-31157370-G-T. GRCh37 (hg19) VCF-style: chr8-31014886-G-T.
Other names: short protein forms K1274N.
Identifiers: ClinVar variation 4874370 (VCV004874370.2).
Genomic context (GRCh38, chr8:31,157,370, plus strand): 5'-CCATGACTGGAGTGGACACTTTTACAACTCACTGGGTTCTTTGCTGATCTTTCTCTAGAA[G>T]AGCATAGCTGAGAGCAGGATTCTGCCTCTCATGACAATTGGCATGCACTTATCCCAAGCG-3'
Protein context (NP_000544.2, residues 1264-1284): SLFQEKKMPL[Lys1274Asn]SIAESRILPL

ClinVar aggregate classification (germline): Uncertain significance (1 of 4 stars; one submission).

gnomAD v4.1: 1 of 1,613,810 alleles (0.000062%); highest among the groups gnomAD compares: Non-Finnish European, 0.000085%; no homozygotes.

Submission:

CeGaT Center for Human Genetics Tuebingen
Classification: Uncertain significance. Last evaluated: 2026-06-01. Review status: criteria provided, single submitter. Criteria: CeGaT Center For Human Genetics Tuebingen Variant Classification Criteria Version 2. Collection method: clinical testing. Allele origin: germline. Affected: yes. Observed: 1 variant allele.
Comment: WRN: PM2, BP1, BP4